The following is an entry in ClinVar:

ClinVar aggregate classification (germline): Uncertain significance (1 of 4 stars; one submission).

Conditions:
Inborn genetic diseases. Identifiers: MedGen C0950123, MeSH D030342.

Submission:

Ambry Genetics
Classification: Uncertain significance for Inborn genetic diseases. Last evaluated: 2024-12-16. Review status: criteria provided, single submitter. Criteria: Ambry Variant Classification Scheme 2023. Collection method: clinical testing. Allele origin: germline.
Comment: The p.L210V variant (also known as c.628C>G), located in coding exon 8 of the ASXL1 gene, results from a C to G substitution at nucleotide position 628. The leucine at codon 210 is replaced by valine, an amino acid with highly similar properties. This amino acid position is conserved. In addition, this alteration is predicted to be tolerated by in silico analysis. Based on the available evidence, the clinical significance of this variant remains unclear.

NM_015338.6(ASXL1):c.628C>G (p.Leu210Val)

Gene: ASXL1 (ASXL transcriptional regulator 1; plus strand). Cytogenetic location: 20q11.21.
Variant type: single nucleotide variant.
Coding change: c.628C>G on transcript NM_015338.6 (MANE Select); coding-DNA position 628, C replaced by G.
Protein change: p.Leu210Val; replaces leucine 210 with valine.
Molecular consequence: missense variant. On other transcripts: intron variant (1).
Genome position (GRCh38, 1-based): chr20:32,429,963, C>G. VCF-style: chr20-32429963-C-G. GRCh37 (hg19) VCF-style: chr20-31017766-C-G.
Other names: c.535+532C>G (NM_001363734.1); short protein forms L210V.
Identifiers: ClinVar variation 3791430 (VCV003791430.1).